The following is an entry in ClinVar:

NM_000642.3(AGL):c.1321A>G (p.Met441Val)

Gene: AGL (amylo-alpha-1,6-glucosidase and 4-alpha-glucanotransferase; plus strand). Cytogenetic location: 1p21.2.
Variant type: single nucleotide variant.
Coding change: c.1321A>G on transcript NM_000642.3 (MANE Select); coding-DNA position 1321, A replaced by G.
Protein change: p.Met441Val; replaces methionine 441 with valine.
Molecular consequence: missense variant.
Genome position (GRCh38, 1-based): chr1:99,876,495, A>G. VCF-style: chr1-99876495-A-G. GRCh37 (hg19) VCF-style: chr1-100342051-A-G.
Other names: c.1117A>G, p.Met373Val (NM_001425328.1, NM_001425329.1); c.943A>G, p.Met315Val (NM_001425332.1); c.1321A>G, p.Met441Val (NM_001425325.1, NM_001425326.1, NM_000643.3 and 2 more transcripts); c.1120A>G, p.Met374Val (NM_001425327.1); c.1273A>G, p.Met425Val (NM_000646.3); short protein forms M425V, M441V, M315V, M373V, M374V.
Identifiers: ClinVar variation 1482919 (VCV001482919.6), dbSNP rs753035763, ClinGen allele CA966463.

ClinVar aggregate classification (germline): Conflicting classifications of pathogenicity. Review status: criteria provided, conflicting classifications (1 of 4 stars). 2 submissions from 2 submitters: Uncertain significance (1); Likely benign (1). Last evaluated 2022-12-16.

Conditions:
Glycogen storage disease type III (GSD3). Also called: Cori disease; FORBES DISEASE. Identifiers: Orphanet 366, MedGen C0017922, MONDO:0009291, OMIM 232400.
Inborn genetic diseases. Identifiers: MedGen C0950123, MeSH D030342.

Allele frequency attached by ClinVar (database versions not stated): ExAC 0.00002; gnomAD exomes 0.00005; TOPMed 0.00006; gnomAD 0.00009 and 0.00010.
gnomAD v4.1: 28 of 1,610,262 alleles (0.0017%); highest among the groups gnomAD compares: Admixed American, 0.043%; no homozygotes.

Submissions (2):

Ambry Genetics
Classification: Likely benign for Inborn genetic diseases. Last evaluated: 2022-12-16. Review status: criteria provided, single submitter. Criteria: Ambry Variant Classification Scheme 2023. Collection method: clinical testing. Allele origin: germline.

Labcorp Genetics (formerly Invitae), Labcorp
Classification: Uncertain significance for Glycogen storage disease type III. Last evaluated: 2022-04-11. Review status: criteria provided, single submitter. Criteria: Invitae Variant Classification Sherloc (09022015). Collection method: clinical testing. Allele origin: germline.
Comment: This sequence change replaces methionine, which is neutral and non-polar, with valine, which is neutral and non-polar, at codon 441 of the AGL protein (p.Met441Val). This variant is present in population databases (rs753035763, gnomAD 0.04%). This variant has not been reported in the literature in individuals affected with AGL-related conditions. Algorithms developed to predict the effect of missense changes on protein structure and function output the following: SIFT: "Tolerated"; PolyPhen-2: "Benign"; Align-GVGD: "Class C0". The valine amino acid residue is found in multiple mammalian species, which suggests that this missense change does not adversely affect protein function. In summary, the available evidence is currently insufficient to determine the role of this variant in disease. Therefore, it has been classified as a Variant of Uncertain Significance.